The following is an entry in ClinVar:

NM_001042492.3(NF1):c.2665A>G (p.Thr889Ala)

Gene: NF1 (neurofibromin 1; plus strand). Cytogenetic location: 17q11.2.
Variant type: single nucleotide variant.
Coding change: c.2665A>G on transcript NM_001042492.3 (MANE Select); coding-DNA position 2665, A replaced by G.
Protein change: p.Thr889Ala; replaces threonine 889 with alanine.
Molecular consequence: missense variant.
Genome position (GRCh38, 1-based): chr17:31,229,280, A>G. VCF-style: chr17-31229280-A-G. GRCh37 (hg19) VCF-style: chr17-29556298-A-G.
Other names: c.2665A>G, p.Thr889Ala (NM_000267.4); short protein forms T889A.
Identifiers: ClinVar variation 527580 (VCV000527580.11), dbSNP rs1314766383, ClinGen allele CA398984826.

ClinVar aggregate classification (germline): Uncertain significance. Review status: criteria provided, multiple submitters, no conflicts (2 of 4 stars). 4 submissions from 4 submitters: Uncertain significance (4). Last evaluated 2026-05-26.

Conditions:
Hereditary cancer-predisposing syndrome. Also called: Tumor predisposition; Hereditary neoplastic syndrome; Neoplastic Syndromes, Hereditary; Hereditary Cancer Syndrome. Identifiers: Orphanet 140162, MedGen C0027672, MeSH D009386, MONDO:0015356.
Cardiovascular phenotype. Identifiers: MedGen CN230736.
Neurofibromatosis, type 1 (NF1). Also called: Neurofibromatosis, type I; VON RECKLINGHAUSEN DISEASE; NEUROFIBROMATOSIS, TYPE I, SOMATIC; Peripheral type neurofibromatosis. Identifiers: Orphanet 636, MedGen C0027831, MONDO:0018975, OMIM 162200. Disease mechanism: loss of function.

gnomAD v4.1: 1 of 1,613,806 alleles (0.000062%); highest among the groups gnomAD compares: Non-Finnish European, 0.000085%; no homozygotes.

Submissions (4):

Ambry Genetics
Classification: Uncertain significance for Cardiovascular phenotype; Hereditary cancer-predisposing syndrome. Last evaluated: 2026-05-26. Review status: criteria provided, single submitter. Criteria: Ambry Variant Classification Scheme 2023. Collection method: clinical testing. Allele origin: germline.
Comment: The p.T889A variant (also known as c.2665A>G), located in coding exon 21 of the NF1 gene, results from an A to G substitution at nucleotide position 2665. The threonine at codon 889 is replaced by alanine, an amino acid with similar properties. This variant was reported in individual(s) with features consistent with neurofibromatosis type 1 (Napolitano F et al. Genes (Basel), 2022 Jun;13:). This amino acid position is well conserved in available vertebrate species. In addition, this alteration is predicted to be tolerated by in silico analysis. Based on the available evidence, the clinical significance of this variant remains unclear.

Labcorp Genetics (formerly Invitae), Labcorp
Classification: Uncertain significance for Neurofibromatosis, type 1. Last evaluated: 2025-05-21. Review status: criteria provided, single submitter. Criteria: Invitae Variant Classification Sherloc (09022015). Collection method: clinical testing. Allele origin: germline.
Comment: This sequence change replaces threonine, which is neutral and polar, with alanine, which is neutral and non-polar, at codon 889 of the NF1 protein (p.Thr889Ala). This variant is not present in population databases (gnomAD no frequency). This missense change has been observed in individual(s) with clinical features of neurofibromatosis type I (PMID: 35885913). ClinVar contains an entry for this variant (Variation ID: 527580). Invitae Evidence Modeling of protein sequence and biophysical properties (such as structural, functional, and spatial information, amino acid conservation, physicochemical variation, residue mobility, and thermodynamic stability) indicates that this missense variant is not expected to disrupt NF1 protein function with a negative predictive value of 95%. In summary, the available evidence is currently insufficient to determine the role of this variant in disease. Therefore, it has been classified as a Variant of Uncertain Significance.

Genome-Nilou Lab
Classification: Uncertain significance for Neurofibromatosis, type 1. Last evaluated: 2022-03-15. Review status: criteria provided, single submitter. Criteria: ACMG Guidelines, 2015. Collection method: clinical testing. Allele origin: germline. Affected: no.

GeneDx
Classification: Uncertain significance. Last evaluated: 2019-06-07. Review status: criteria provided, single submitter. Criteria: GeneDx Variant Classification Process June 2021. Collection method: clinical testing. Allele origin: germline. Affected: yes.
Comment: Not observed in large population cohorts (Lek et al., 2016); Has not been previously published as pathogenic or benign to our knowledge

Literature cited by the submitters: PubMed 35885913 (cited by Ambry Genetics and Labcorp Genetics (formerly Invitae), Labcorp).